The following is an entry in ClinVar:

NM_020911.2(PLXNA4):c.1371+4300G>A

Gene: PLXNA4 (plexin A4; minus strand). Cytogenetic location: 7q32.3.
Variant type: single nucleotide variant.
Coding change: c.1371+4300G>A on transcript NM_020911.2 (MANE Select); 4300 bases into the intron after coding-DNA position 1371, G replaced by A.
Molecular consequence: intron variant. On other transcripts: missense variant (1).
Genome position (GRCh38, 1-based): chr7:132,484,992, C>T on the plus strand (G>A on the coding strand, the complement: PLXNA4 is on the minus strand). VCF-style: chr7-132484992-C-T. GRCh37 (hg19) VCF-style: chr7-132169751-C-T.
Other names: c.1393G>A, p.Gly465Arg (NM_181775.4); c.1371+4300G>A (NM_001393897.1, NM_001105543.2); short protein forms G465R.
Identifiers: ClinVar variation 3352579 (VCV003352579.1).

ClinVar aggregate classification (germline): Uncertain significance (0 of 4 stars; one submission).

Conditions:
PLXNA4-related disorder. Also called: PLXNA4-related condition.

gnomAD v4.1: 30 of 1,614,034 alleles (0.0019%); highest among the groups gnomAD compares: East Asian, 0.013%; no homozygotes.

Submission:

PreventionGenetics, part of Exact Sciences
Classification: Uncertain significance for PLXNA4-related condition. Last evaluated: 2024-03-13. Review status: no assertion criteria provided. Collection method: clinical testing. Allele origin: germline.
Comment: The PLXNA4 c.1393G>A variant is predicted to result in the amino acid substitution p.Gly465Arg. To our knowledge, this variant has not been reported in the literature. This variant is reported in 0.030% of alleles in individuals of East Asian descent in gnomAD. At this time, the clinical significance of this variant is uncertain due to the absence of conclusive functional and genetic evidence.